The following is an entry in ClinVar:

ClinVar aggregate classification (germline): Uncertain significance. Review status: criteria provided, multiple submitters, no conflicts (2 of 4 stars). 4 submissions from 4 submitters: Uncertain significance (3). 1 of the submissions does not count toward it. Last evaluated 2024-10-30.

Conditions:
Usher syndrome type 2A. Also called: USHER SYNDROME, TYPE IIA; RETINAL DISEASE IN USHER SYNDROME TYPE IIA, MODIFIER OF. Identifiers: Orphanet 231178, Orphanet 886, MedGen C1848634, MONDO:0010169, OMIM 276901.

Allele frequency attached by ClinVar (database versions not stated): TOPMed below 0.00001; ExAC 0.00001; gnomAD exomes 0.00001; gnomAD 0.00002.
gnomAD v4.1: 23 of 1,605,612 alleles (0.0014%); highest among the groups gnomAD compares: Non-Finnish European, 0.0018%; no homozygotes.

Submissions (4):

Labcorp Genetics (formerly Invitae), Labcorp
Classification: Uncertain significance. Last evaluated: 2024-10-30. Review status: criteria provided, single submitter. Criteria: Invitae Variant Classification Sherloc (09022015). Collection method: clinical testing. Allele origin: germline.
Comment: This sequence change replaces valine, which is neutral and non-polar, with alanine, which is neutral and non-polar, at codon 3805 of the USH2A protein (p.Val3805Ala). This variant is present in population databases (rs760024584, gnomAD 0.002%). This variant has not been reported in the literature in individuals affected with USH2A-related conditions. ClinVar contains an entry for this variant (Variation ID: 505219). Invitae Evidence Modeling of protein sequence and biophysical properties (such as structural, functional, and spatial information, amino acid conservation, physicochemical variation, residue mobility, and thermodynamic stability) indicates that this missense variant is not expected to disrupt USH2A protein function with a negative predictive value of 95%. In summary, the available evidence is currently insufficient to determine the role of this variant in disease. Therefore, it has been classified as a Variant of Uncertain Significance.

Blueprint Genetics
Classification: Uncertain significance. Last evaluated: 2020-02-20. Review status: criteria provided, single submitter. Criteria: ACMG Guidelines, 2015. Collection method: clinical testing. Allele origin: germline.

Laboratory for Molecular Medicine, Mass General Brigham Personalized Medicine
Classification: Uncertain significance. Last evaluated: 2016-08-04. Review status: criteria provided, single submitter. Criteria: LMM Criteria. Collection method: clinical testing. Allele origin: germline. Observed: 1 variant allele.
Comment: The p.Val3805Ala variant in USH2A has not been previously reported in individual s with hearing loss or Usher syndrome. This variant has been identified in 1/666 44 European chromosomes by the Exome Aggregation Consortium (ExAC; dbSNP rs760024584); however, this frequency in the general po pulation is not high enough to rule out a pathogenic role. Computational predict ion tools and conservation analyses do not provide strong support for or against an impact to the protein. In summary, the clinical significance of the p.Val38 05Ala variant is uncertain.

Natera, Inc.
Classification: Uncertain significance for Usher syndrome type 2A. Last evaluated: 2019-11-11. Review status: no assertion criteria provided. Collection method: clinical testing. Allele origin: germline. Not counted in ClinVar's aggregate classification.

NM_206933.4(USH2A):c.11414T>C (p.Val3805Ala)

Gene: USH2A (usherin; minus strand). Cytogenetic location: 1q41.
Variant type: single nucleotide variant.
Coding change: c.11414T>C on transcript NM_206933.4 (MANE Select); coding-DNA position 11414, T replaced by C.
Protein change: p.Val3805Ala; replaces valine 3805 with alanine.
Molecular consequence: missense variant.
Genome position (GRCh38, 1-based): chr1:215,743,311, A>G on the plus strand (T>C on the coding strand, the complement: USH2A is on the minus strand). VCF-style: chr1-215743311-A-G. GRCh37 (hg19) VCF-style: chr1-215916653-A-G.
Other names: short protein forms V3805A.
Identifiers: ClinVar variation 505219 (VCV000505219.8), dbSNP rs760024584, ClinGen allele CA1393708.
Genomic context (GRCh38, chr1:215,743,311, plus strand): 5'-TGACCAACGGAGAAGGCCAGAGGTGTTACACTTCCATCATTGAGTAAGACATTGTACTCC[A>G]CAGGAATTTCGGGGATGAGGATCCCTTTAAAGAGAGAGAGAGAGAGAGAACATTAAAAAC-3'
Protein context (NP_996816.3, residues 3795-3815): PPGILIPEIP[Val3805Ala]EYNVLLNDGS